The following is an entry in ClinVar:

ClinVar aggregate classification (germline): Uncertain significance (1 of 4 stars; one submission).

Allele frequency attached by ClinVar (database versions not stated): ExAC 0.00001; gnomAD exomes 0.00002 and 0.00004; TOPMed 0.00002; gnomAD 0.00003; ESP Exome Variant Server 0.00008.
gnomAD v4.1: 40 of 1,612,258 alleles (0.0025%); highest among the groups gnomAD compares: Non-Finnish European, 0.0032%; no homozygotes.

Submission:

GeneDx
Classification: Uncertain significance. Last evaluated: 2013-11-27. Review status: criteria provided, single submitter. Criteria: GeneDx Variant Classification (06012015). Collection method: clinical testing. Allele origin: germline. Affected: yes.
Comment: Missense variants in the TTN gene are considered 'unclassified' if they are not previously reported in the literature and do not have >1% frequency in the population to be considered a polymorphism. Research indicates that truncating mutations in the TTN gene are expected to account for approximately 25% of familial and 18% of sporadic idiopathic DCM; however, truncating variants in the TTN gene have been reported in approximately 3% of reported control alleles. There has been little investigation into non-truncating variants. (Herman D et al. Truncations of titin causing dilated cardiomyopathy. N Eng J Med 366:619-628, 2012) The variant is found in CARDIOMYOPATHY panel(s).

NM_133379.5(TTN):c.13430C>T (p.Pro4477Leu)

Gene: TTN (titin; minus strand). Cytogenetic location: 2q31.2.
Variant type: single nucleotide variant.
Coding change: c.13430C>T on transcript NM_133379.5; coding-DNA position 13430, C replaced by T.
Protein change: p.Pro4477Leu; replaces proline 4477 with leucine.
Molecular consequence: missense variant. On other transcripts: intron variant (6).
Genome position (GRCh38, 1-based): chr2:178,748,970, G>A on the plus strand (C>T on the coding strand, the complement: TTN is on the minus strand). VCF-style: chr2-178748970-G-A. GRCh37 (hg19) VCF-style: chr2-179613697-G-A.
Other names: p.P4477L:CCT>CTT; c.10222+4154C>T (NM_003319.4); c.10798+4154C>T (NM_133437.4); c.10597+4154C>T (NM_133432.3); c.10360+4154C>T (NM_133378.4, NM_001256850.1); c.11311+4154C>T (NM_001267550.2); short protein forms P4477L.
Identifiers: ClinVar variation 203197 (VCV000203197.2), dbSNP rs151307968, ClinGen allele CA311650.